The following is an entry in ClinVar:

NM_006277.3(ITSN2):c.3551C>T (p.Thr1184Met)

Gene: ITSN2 (intersectin 2; minus strand). Cytogenetic location: 2p23.3.
Variant type: single nucleotide variant.
Coding change: c.3551C>T on transcript NM_006277.3 (MANE Select); coding-DNA position 3551, C replaced by T.
Protein change: p.Thr1184Met; replaces threonine 1184 with methionine.
Molecular consequence: missense variant.
Genome position (GRCh38, 1-based): chr2:24,246,155, G>A on the plus strand (C>T on the coding strand, the complement: ITSN2 is on the minus strand). VCF-style: chr2-24246155-G-A. GRCh37 (hg19) VCF-style: chr2-24469024-G-A.
Other names: c.3509C>T, p.Thr1170Met (NM_001348181.2); c.3431C>T, p.Thr1144Met (NM_001348182.2, NM_001348186.2); c.3470C>T, p.Thr1157Met (NM_001348183.2, NM_019595.4); c.3428C>T, p.Thr1143Met (NM_001348184.2); c.3512C>T, p.Thr1171Met (NM_001348185.2); c.3551C>T, p.Thr1184Met (NM_147152.3); short protein forms T1143M, T1144M, T1157M, T1170M, T1171M, T1184M.
Identifiers: ClinVar variation 3032709 (VCV003032709.2), dbSNP rs200963427, ClinGen allele CA1550893.
Genomic context (GRCh38, chr2:24,246,155, plus strand): 5'-CTAGGTGAGAGAAAAATAATTTAATATTACTCACACTGTTGACTTGGATCTGAGTCTGTC[G>A]TCATCTTAACGTAGTTTGAAGGAAAGAGACCAGTCACCCCGTTGATCTCTCCTTGCCACC-3'
Protein context (NP_006268.2, residues 1174-1194): GLFPSNYVKM[Thr1184Met]TDSDPSQQWC

ClinVar aggregate classification (germline): Uncertain significance (0 of 4 stars; one submission).

Conditions:
ITSN2-related disorder. Also called: ITSN2-related condition.

Allele frequency attached by ClinVar (database versions not stated): gnomAD 0.00001; TOPMed 0.00002; gnomAD exomes 0.00004; ESP Exome Variant Server 0.00008; ExAC 0.00009.
gnomAD v4.1: 59 of 1,612,110 alleles (0.0037%); highest among the groups gnomAD compares: African/African-American, 0.0067%; no homozygotes.

Submission:

PreventionGenetics, part of Exact Sciences
Classification: Uncertain significance for ITSN2-related condition. Last evaluated: 2024-01-11. Review status: no assertion criteria provided. Collection method: clinical testing. Allele origin: germline.
Comment: The ITSN2 c.3551C>T variant is predicted to result in the amino acid substitution p.Thr1184Met. To our knowledge, this variant has not been reported in individuals with renal disorders in the literature. However, this variant has been reported in an individual with autism (B:2:24469024:G:A:hg19 in Supplementary Data 1 of Zhou. 2022. PubMed ID: 35982159). This variant is reported in 0.010% of alleles in individuals of European (Non-Finnish) descent in gnomAD. At this time, the clinical significance of this variant is uncertain due to the absence of conclusive functional and genetic evidence.